The following is an entry in ClinVar:

ClinVar aggregate classification (germline): Benign/Likely benign. Review status: criteria provided, multiple submitters, no conflicts (2 of 4 stars). 2 submissions from 2 submitters: Benign (1); Likely benign (1). Last evaluated 2026-08-03.

Conditions:
Familial colorectal cancer type X. Identifiers: Orphanet 440437, MedGen C3896578, MONDO:0018604.

Submissions (2):

Myriad Genetics, Inc.
Classification: Benign for Familial colorectal cancer type X. Last evaluated: 2026-08-03. Review status: criteria provided, single submitter. Criteria: Myriad Autosomal Dominant, Autosomal Recessive and X-Linked Classification Criteria (2023). Collection method: clinical testing. Allele origin: unknown.
Comment: This variant is considered benign. This variant is a silent/synonymous amino acid change and it is not expected to impact splicing.

Ambry Genetics
Classification: Likely benign. Last evaluated: 2021-11-22. Review status: criteria provided, single submitter. Criteria: Ambry Variant Classification Scheme 2023. Collection method: clinical testing. Allele origin: germline.

NM_001023.4(RPS20):c.121A>C (p.Arg41=)

Gene: RPS20 (ribosomal protein S20; minus strand). Cytogenetic location: 8q12.1.
Variant type: single nucleotide variant.
Coding change: c.121A>C on transcript NM_001023.4 (MANE Select); coding-DNA position 121, A replaced by C.
Protein change: p.Arg41=; no amino-acid change (arginine 41 retained).
Molecular consequence: synonymous variant.
Genome position (GRCh38, 1-based): chr8:56,073,751, T>G on the plus strand (A>C on the coding strand, the complement: RPS20 is on the minus strand). VCF-style: chr8-56073751-T-G. GRCh37 (hg19) VCF-style: chr8-56986310-T-G.
Other names: c.121A>C, p.Arg41= (NM_001146227.3).
Identifiers: ClinVar variation 1752549 (VCV001752549.3), dbSNP rs2486984031, ClinGen allele CA461101641.